The following is an entry in ClinVar:

ClinVar aggregate classification (germline): Uncertain significance (1 of 4 stars; one submission).

Submission:

Women's Health and Genetics/Laboratory Corporation of America, LabCorp
Classification: Uncertain significance. Last evaluated: 2025-07-17. Review status: criteria provided, single submitter. Criteria: LabCorp Variant Classification Summary - May 2015. Collection method: clinical testing. Allele origin: germline.
Comment: Variant summary: The variant involves the deletion of exons 21-46 in the RELN gene. A presumed nomenclature of c.(2702+1_2703-1)_(7349+1_7350-1)del has been designated for the purposes of this classification. This Copy Number Variant (CNV) is predicted to result in an in-frame deletion within this gene. To our knowledge, no likely pathogenic/pathogenic missense or in-frame indel variants have been reported within the deleted region. The variant was absent in 21694 control chromosomes. The available data on variant occurrences in the general population are insufficient to allow any conclusion about variant significance. To our knowledge, no occurrence of c.(2702+1_2703-1)_(7349+1_7350-1)del in individuals affected with Epilepsy Familial Temporal Lobe 7 and no experimental evidence demonstrating its impact on protein function have been reported. No submitters have cited clinical-significance assessments for this variant to ClinVar. Based on the evidence outlined above, the variant was classified as uncertain significance.

NC_000007.13:g.(103163979_103175762)_(103252251_103270386)del

Gene: RELN (reelin; minus strand). Cytogenetic location: 7q22.1.
Variant type: Deletion.
Identifiers: ClinVar variation 4525795 (VCV004525795.1).